The following is an entry in ClinVar:

ClinVar aggregate classification (germline): Uncertain significance (1 of 4 stars; one submission).

Submission:

Labcorp Genetics (formerly Invitae), Labcorp
Classification: Uncertain significance. Last evaluated: 2022-10-15. Review status: criteria provided, single submitter. Criteria: Invitae Variant Classification Sherloc (09022015). Collection method: clinical testing. Allele origin: germline.
Comment: This sequence change replaces leucine, which is neutral and non-polar, with proline, which is neutral and non-polar, at codon 4254 of the HMCN1 protein (p.Leu4254Pro). In summary, the available evidence is currently insufficient to determine the role of this variant in disease. Therefore, it has been classified as a Variant of Uncertain Significance. Algorithms developed to predict the effect of missense changes on protein structure and function (SIFT, PolyPhen-2, Align-GVGD) all suggest that this variant is likely to be disruptive. This variant has not been reported in the literature in individuals affected with HMCN1-related conditions. This variant is not present in population databases (gnomAD no frequency).

NM_031935.3(HMCN1):c.12761T>C (p.Leu4254Pro)

Gene: HMCN1 (hemicentin 1; plus strand). Cytogenetic location: 1q31.1.
Variant type: single nucleotide variant.
Coding change: c.12761T>C on transcript NM_031935.3 (MANE Select); coding-DNA position 12761, T replaced by C.
Protein change: p.Leu4254Pro; replaces leucine 4254 with proline.
Molecular consequence: missense variant.
Genome position (GRCh38, 1-based): chr1:186,128,148, T>C. VCF-style: chr1-186128148-T-C. GRCh37 (hg19) VCF-style: chr1-186097280-T-C.
Other names: short protein forms L4254P.
Identifiers: ClinVar variation 1721677 (VCV001721677.5), dbSNP rs2528059744, ClinGen allele CA343905459.